The following is an entry in ClinVar:

NM_001904.4(CTNNB1):c.2128C>T (p.Arg710Cys)

Gene: CTNNB1 (catenin beta 1; plus strand). Cytogenetic location: 3p22.1.
Variant type: single nucleotide variant.
Coding change: c.2128C>T on transcript NM_001904.4 (MANE Select); coding-DNA position 2128, C replaced by T.
Protein change: p.Arg710Cys; replaces arginine 710 with cysteine.
Molecular consequence: missense variant.
Genome position (GRCh38, 1-based): chr3:41,238,067, C>T. VCF-style: chr3-41238067-C-T. GRCh37 (hg19) VCF-style: chr3-41279558-C-T.
Other names: c.2128C>T, p.Arg710Cys (NM_001098209.2, NM_001098210.2); c.2107C>T, p.Arg703Cys (NM_001330729.2); short protein forms R710C, R703C.
Identifiers: ClinVar variation 225171 (VCV000225171.11), dbSNP rs748653573, ClinGen allele CA16044151.

ClinVar aggregate classification (germline): Uncertain significance. Review status: criteria provided, multiple submitters, no conflicts (2 of 4 stars). 4 submissions from 4 submitters: Uncertain significance (2). 2 of the submissions do not count toward it. Last evaluated 2024-10-29.

Conditions:
Exudative vitreoretinopathy 7. Identifiers: MedGen C4539767, MONDO:0033123, OMIM 617572.
Exudative vitreoretinopathy 1 (EVR1). Also called: FEVR, AUTOSOMAL DOMINANT; Familial exudative vitreoretinopathy, autosomal dominant; CRISWICK-SCHEPENS SYNDROME. Identifiers: Orphanet 891, Orphanet 90050, MedGen C1851402, MONDO:0007589, OMIM 133780.

Allele frequency attached by ClinVar (database versions not stated): gnomAD 0.00002; TOPMed 0.00002.
gnomAD v4.1: 28 of 1,613,306 alleles (0.0017%); highest among the groups gnomAD compares: Non-Finnish European, 0.002%; no homozygotes.

Submissions (4):

Labcorp Genetics (formerly Invitae), Labcorp
Classification: Uncertain significance. Last evaluated: 2024-10-29. Review status: criteria provided, single submitter. Criteria: Invitae Variant Classification Sherloc (09022015). Collection method: clinical testing. Allele origin: germline.
Comment: This sequence change replaces arginine, which is basic and polar, with cysteine, which is neutral and slightly polar, at codon 710 of the CTNNB1 protein (p.Arg710Cys). This variant is present in population databases (no rsID available, gnomAD 0.003%). This missense change has been observed in individual(s) with familial exudative vitreoretinopathy (PMID: 28575650). It has also been observed to segregate with disease in related individuals. ClinVar contains an entry for this variant (Variation ID: 225171). Invitae Evidence Modeling of protein sequence and biophysical properties (such as structural, functional, and spatial information, amino acid conservation, physicochemical variation, residue mobility, and thermodynamic stability) indicates that this missense variant is not expected to disrupt CTNNB1 protein function with a negative predictive value of 80%. Experimental studies are conflicting or provide insufficient evidence to determine the effect of this variant on CTNNB1 function (PMID: 36083290). In summary, the available evidence is currently insufficient to determine the role of this variant in disease. Therefore, it has been classified as a Variant of Uncertain Significance.

Blueprint Genetics
Classification: Uncertain significance. Last evaluated: 2023-07-13. Review status: criteria provided, single submitter. Criteria: ACMG Guidelines, 2015. Collection method: clinical testing. Allele origin: germline.

OMIM
Classification: Pathogenic for EXUDATIVE VITREORETINOPATHY 7. Last evaluated: 2017-08-15. Review status: no assertion criteria provided. Collection method: literature only. Allele origin: germline. Not counted in ClinVar's aggregate classification.

Leeds Vision Research Group, University of Leeds
Classification: Pathogenic for Exudative vitreoretinopathy 1. Last evaluated: 2016-04-01. Review status: no assertion criteria provided. Collection method: research. Allele origin: germline. Affected: yes. Not counted in ClinVar's aggregate classification.

Literature cited by the submitters: PubMed 28575650 (cited by Labcorp Genetics (formerly Invitae), Labcorp and OMIM); PubMed 36083290 (cited by Labcorp Genetics (formerly Invitae), Labcorp).